The following is an entry in ClinVar:

NM_001009944.3(PKD1):c.4452G>A (p.Pro1484=)

Gene: PKD1 (polycystin 1, transient receptor potential channel interacting; minus strand). Cytogenetic location: 16p13.3.
Variant type: single nucleotide variant.
Coding change: c.4452G>A on transcript NM_001009944.3 (MANE Select); coding-DNA position 4452, G replaced by A.
Protein change: p.Pro1484=; no amino-acid change (proline 1484 retained).
Molecular consequence: synonymous variant.
Genome position (GRCh38, 1-based): chr16:2,110,715, C>T on the plus strand (G>A on the coding strand, the complement: PKD1 is on the minus strand). VCF-style: chr16-2110715-C-T. GRCh37 (hg19) VCF-style: chr16-2160716-C-T.
Other names: c.4452G>A, p.Pro1484= (NM_000296.4).
Identifiers: ClinVar variation 805165 (VCV000805165.34), dbSNP rs201988915, ClinGen allele CA7832371.

ClinVar aggregate classification (germline): Benign/Likely benign. Review status: criteria provided, multiple submitters, no conflicts (2 of 4 stars). 9 submissions from 9 submitters: Benign (2); Likely benign (6). 1 of the submissions does not count toward it. Last evaluated 2025-04-25.

Conditions:
Polycystic kidney disease, adult type (PKD1). Also called: Polycystic Kidney Disease 1, Autosomal Dominant; Polycystic kidney disease 1; Polycystic kidney disease 1, severe; POLYCYSTIC KIDNEY DISEASE, ADULT, TYPE I; POLYCYSTIC KIDNEY DISEASE 1 WITH OR WITHOUT POLYCYSTIC LIVER DISEASE; Polycystic Kidney, Autosomal Dominant. Identifiers: MedGen C3149841, MONDO:0008263, OMIM 173900.
Polycystic kidney disease. Also called: Kidney, Polycystic; Polycystic kidney dysplasia. Identifiers: MedGen C0022680, MeSH D007690, MONDO:0020642, HP:0000113.
Autosomal dominant polycystic kidney disease. Identifiers: Orphanet 730, MedGen C0085413, MONDO:0004691.

Allele frequency attached by ClinVar (database versions not stated): 1000 Genomes Project 30x 0.00031; ESP Exome Variant Server 0.00037; 1000 Genomes Project 0.00040; TOPMed 0.00041.
gnomAD v4.1: 806 of 1,610,030 alleles (0.05%); highest among the groups gnomAD compares: Middle Eastern, 0.36%; 4 homozygotes.

Submissions (9):

Women's Health and Genetics/Laboratory Corporation of America, LabCorp
Classification: Likely benign. Last evaluated: 2025-04-25. Review status: criteria provided, single submitter. Criteria: LabCorp Variant Classification Summary - May 2015. Collection method: clinical testing. Allele origin: germline.

Blueprint Genetics
Classification: Likely benign. Last evaluated: 2024-11-27. Review status: criteria provided, single submitter. Criteria: ACMG Guidelines, 2015. Collection method: clinical testing. Allele origin: germline.

CeGaT Center for Human Genetics Tuebingen
Classification: Likely benign. Last evaluated: 2023-10-01. Review status: criteria provided, single submitter. Criteria: CeGaT Center For Human Genetics Tuebingen Variant Classification Criteria Version 2. Collection method: clinical testing. Allele origin: germline. Affected: yes. Observed: 1 variant allele.
Comment: PKD1: BP4, BP7

Fulgent Genetics
Classification: Likely benign for Polycystic kidney disease, adult type. Last evaluated: 2021-07-30. Review status: criteria provided, single submitter. Criteria: ACMG Guidelines, 2015. Collection method: clinical testing. Allele origin: unknown.

GeneDx
Classification: Likely benign. Last evaluated: 2020-10-27. Review status: criteria provided, single submitter. Criteria: GeneDx Variant Classification Process June 2021. Collection method: clinical testing. Allele origin: germline. Affected: yes.
Comment: This variant is associated with the following publications: (PMID: 18837007)

Athena Diagnostics
Classification: Benign. Last evaluated: 2019-03-28. Review status: criteria provided, single submitter. Criteria: Athena Diagnostics Criteria. Collection method: clinical testing. Allele origin: germline.

Molecular Genetics of Inherited Kidney Disorders Laboratory, Garvan Institute of Medical Research
Classification: Benign for Autosomal dominant polycystic kidney disease. Last evaluated: 2019-01-01. Review status: criteria provided, single submitter. Criteria: ACMG Guidelines, 2015. Collection method: research. Allele origin: germline. Affected: yes.

Breakthrough Genomics
Classification: Likely benign. Review status: criteria provided, single submitter. Criteria: ACMG Guidelines, 2015. Collection method: not provided. Allele origin: germline. Inheritance: Autosomal dominant inheritance. Affected: yes.

Department of Pathology and Laboratory Medicine, Sinai Health System
Classification: Likely benign for Polycystic Kidney disease. Review status: no assertion criteria provided. Collection method: clinical testing. Allele origin: unknown. Affected: yes. Study: The Canadian Open Genetics Repository (COGR). Not counted in ClinVar's aggregate classification.
Comment: The PKD1 p.Pro1484= variant was identified in 3 of 136 proband chromosomes (frequency: 0.02) from individuals or families with ADPKD and was not identified in 4 control chromosomes from healthy individuals (Edrees 2016, Tan 2009, Tan 2014). The variant was also identified in dbSNP (ID: rs201988915) as â€šÃ„ÃºNAâ€šÃ„Ã¹, in LOVD 3.0 1X with no classification, and in ADPKD Mutation Databases 2X as likely neutral. In addition, the variant was identified in the 1000 Genomes Project in 2 of 5000 chromosomes (frequency: 0.0004) and in the NHLBI GO Exome Sequencing Project in 4 of 7338 European American alleles. The variant was not identified in ClinVar, ClinVar, GeneInsight-COGR, and PKD1-LOVD, databases. The variant was identified in control databases in 181 (1 homozygous) of 242574 chromosomes at a frequency of 0.0007 in the following populations: African in 2 of 20066 chromosomes (freq. 0.00001), Latino in 19 of 31426 chromosomes (freq. 0.0006), European Non-Finnish in 47 of 107152 chromosomes (freq. 0.0004), Ashkenazi Jewish in 106 of 9414 chromosomes (freq. 0.01), East Asian in 1 of 17012 chromosomes (freq. 0.00006), South Asian in 3 of 29474 (freq. 0.0001) and Other in 3 of 5780 (freq. 0.0005) but was not seen in European Finnish populations, increasing the likelihood this could be a low frequency benign variant (Genome Aggregation Consortium Feb 27, 2017). In addition we cannot be certain that data from control databases is specific to PKD1 and not from one of the six PKD1 pseudogenes. The p.Pro1484= variant is not expected to have clinical significance because it does not result in a change of amino acid and is not located in a known consensus splice site. In addition, in silico or computational prediction software programs (SpliceSiteFinder, MaxEntScan, NNSPLICE, GeneSplicer, HumanSpliceFinder) do not predict a difference in splicing. In summary, based on the above information the clinical significance of this variant cannot be determined with certainty at this time although we would lean towards a more benign role for this variant. This variant is classified as likely benign.

Literature cited by the submitters: PubMed 18837007 (cited by Athena Diagnostics).